The following is an entry in ClinVar:

NM_001363810.1(VMA21):c.30C>T (p.Leu10=)

Gene: VMA21 (vacuolar ATPase assembly factor VMA21; plus strand). Cytogenetic location: Xq28.
Variant type: single nucleotide variant.
Coding change: c.30C>T on transcript NM_001363810.1; coding-DNA position 30, C replaced by T.
Protein change: p.Leu10=; no amino-acid change (leucine 10 retained).
Molecular consequence: synonymous variant.
Genome position (GRCh38, 1-based): chrX:151,396,869, C>T. VCF-style: chrX-151396869-C-T. GRCh37 (hg19) VCF-style: chrX-150565341-C-T.
Identifiers: ClinVar variation 4681742 (VCV004681742.5).
Genomic context (GRCh38, chrX:151,396,869, plus strand): 5'-CTCTGGCTGGTAGTCCCTCTTCGCGGCTCATATGCTCGGGTCTCCTTGCGGCCCCCAGCT[C>T]AGCGACCGAGACGCAGACGAGGACCAGTGTTCACGCGAGTTCAGGGGGCGGCGTAGCCGC-3'

ClinVar aggregate classification (germline): Likely benign (1 of 4 stars; one submission).

Submission:

CeGaT Center for Human Genetics Tuebingen
Classification: Likely benign. Last evaluated: 2025-12-01. Review status: criteria provided, single submitter. Criteria: CeGaT Center For Human Genetics Tuebingen Variant Classification Criteria Version 2. Collection method: clinical testing. Allele origin: germline. Affected: yes. Observed: 1 variant allele.
Comment: VMA21: BP4, BP7